The following is an entry in ClinVar:

NM_006269.2(RP1):c.4416A>T (p.Glu1472Asp)

Gene: RP1 (RP1 axonemal microtubule associated; plus strand). Cytogenetic location: 8q12.1.
Variant type: single nucleotide variant.
Coding change: c.4416A>T on transcript NM_006269.2 (MANE Select); coding-DNA position 4416, A replaced by T.
Protein change: p.Glu1472Asp; replaces glutamic acid 1472 with aspartic acid.
Molecular consequence: missense variant. On other transcripts: intron variant (1).
Genome position (GRCh38, 1-based): chr8:54,628,298, A>T. VCF-style: chr8-54628298-A-T. GRCh37 (hg19) VCF-style: chr8-55540858-A-T.
Other names: c.787+6010A>T (NM_001375654.1); short protein forms E1472D.
Identifiers: ClinVar variation 1498741 (VCV001498741.6), dbSNP rs2129317614, ClinGen allele CA370982154.

ClinVar aggregate classification (germline): Uncertain significance (1 of 4 stars; one submission).

Submission:

Labcorp Genetics (formerly Invitae), Labcorp
Classification: Uncertain significance. Last evaluated: 2021-07-28. Review status: criteria provided, single submitter. Criteria: Invitae Variant Classification Sherloc (09022015). Collection method: clinical testing. Allele origin: germline.
Comment: This variant is not present in population databases (ExAC no frequency). This sequence change replaces glutamic acid with aspartic acid at codon 1472 of the RP1 protein (p.Glu1472Asp). The glutamic acid residue is moderately conserved and there is a small physicochemical difference between glutamic acid and aspartic acid. In summary, the available evidence is currently insufficient to determine the role of this variant in disease. Therefore, it has been classified as a Variant of Uncertain Significance. Algorithms developed to predict the effect of missense changes on protein structure and function output the following: SIFT: "Tolerated"; PolyPhen-2: "Benign"; Align-GVGD: "Class C0". The aspartic acid amino acid residue is found in multiple mammalian species, which suggests that this missense change does not adversely affect protein function. This variant has not been reported in the literature in individuals affected with RP1-related conditions.